The following is an entry in ClinVar:

NM_005051.3(QARS1):c.1309A>T (p.Thr437Ser)

Gene: QARS1 (glutaminyl-tRNA synthetase 1; minus strand). Cytogenetic location: 3p21.31.
Variant type: single nucleotide variant.
Coding change: c.1309A>T on transcript NM_005051.3 (MANE Select); coding-DNA position 1309, A replaced by T.
Protein change: p.Thr437Ser; replaces threonine 437 with serine.
Molecular consequence: missense variant. On other transcripts: non-coding transcript variant (1).
Genome position (GRCh38, 1-based): chr3:49,099,840, T>A on the plus strand (A>T on the coding strand, the complement: QARS1 is on the minus strand). VCF-style: chr3-49099840-T-A. GRCh37 (hg19) VCF-style: chr3-49137273-T-A.
Other names: c.1276A>T, p.Thr426Ser (NM_001272073.2); short protein forms T437S, T426S.
Identifiers: ClinVar variation 943235 (VCV000943235.1), dbSNP rs2042443898, ClinGen allele CA352708165.
Genomic context (GRCh38, chr3:49,099,840, plus strand): 5'-TGCAGAGTGAGTGAGTGATGTGCTCGATGGAGTCACAGAGGCAGTGTGTGTAGTCGTAGG[T>A]GGGATAGATGCACCTGTGGGGCATAGGCAGTGGGCCCTACCATCCAGCCCTACTCTGCCC-3'
Protein context (NP_005042.1, residues 427-447): RTGDKWCIYP[Thr437Ser]YDYTHCLCDS

ClinVar aggregate classification (germline): Uncertain significance (1 of 4 stars; one submission).

Conditions:
Diffuse cerebral and cerebellar atrophy - intractable seizures - progressive microcephaly syndrome. Also called: Microcephaly, progressive, with seizures and cerebral and cerebellar atrophy. Identifiers: Orphanet 404437, MedGen C4014239, MONDO:0014335, OMIM 615760.

Allele frequency attached by ClinVar (database versions not stated): gnomAD exomes below 0.00001.
gnomAD v4.1: 1 of 1,613,906 alleles (0.000062%); highest among the groups gnomAD compares: South Asian, 0.0011%; no homozygotes.

Submission:

Labcorp Genetics (formerly Invitae), Labcorp
Classification: Uncertain significance for Diffuse cerebral and cerebellar atrophy - intractable seizures - progressive microcephaly syndrome. Last evaluated: 2019-08-08. Review status: criteria provided, single submitter. Criteria: Invitae Variant Classification Sherloc (09022015). Collection method: clinical testing. Allele origin: germline.
Comment: This sequence change replaces threonine with serine at codon 437 of the QARS protein (p.Thr437Ser). The threonine residue is highly conserved and there is a small physicochemical difference between threonine and serine. This variant is not present in population databases (ExAC no frequency). This variant has not been reported in the literature in individuals with QARS-related conditions. Algorithms developed to predict the effect of missense changes on protein structure and function (SIFT, PolyPhen-2, Align-GVGD) all suggest that this variant is likely to be disruptive, but these predictions have not been confirmed by published functional studies and their clinical significance is uncertain. In summary, the available evidence is currently insufficient to determine the role of this variant in disease. Therefore, it has been classified as a Variant of Uncertain Significance.